The following is an entry in ClinVar:

NM_001386393.1(PANK2):c.394G>C (p.Val132Leu)

Gene: PANK2 (pantothenate kinase 2; plus strand). Cytogenetic location: 20p13.
Variant type: single nucleotide variant.
Coding change: c.394G>C on transcript NM_001386393.1 (MANE Select); coding-DNA position 394, G replaced by C.
Protein change: p.Val132Leu; replaces valine 132 with leucine.
Molecular consequence: missense variant. On other transcripts: 5 prime UTR variant (4), non-coding transcript variant (1).
Genome position (GRCh38, 1-based): chr20:3,908,021, G>C. VCF-style: chr20-3908021-G-C. GRCh37 (hg19) VCF-style: chr20-3888668-G-C.
Other names: c.-150G>C (NM_001324191.2, NM_024960.6, NM_153640.4); c.724G>C, p.Val242Leu (NM_001324192.1, NM_153638.4); c.-442G>C (NM_001324193.2); short protein forms V242L, V132L.
Identifiers: ClinVar variation 1952216 (VCV001952216.5), dbSNP rs11538610, ClinGen allele CA9750682.

ClinVar aggregate classification (germline): Uncertain significance (1 of 4 stars; one submission).

Conditions:
Pigmentary pallidal degeneration (NBIA1). Also called: HARP SYNDROME; PKAN NEUROAXONAL DYSTROPHY, JUVENILE-ONSET; Pantothenate Kinase-Associated Neurodegeneration; Neurodegeneration with brain iron accumulation 1; Neuroaxonal dystrophy, late infantile; Hallervorden-Spatz disease. Identifiers: Orphanet 157850, MedGen C0018523, MONDO:0009319, OMIM 234200.

Allele frequency attached by ClinVar (database versions not stated): ExAC 0.00001.

Submission:

Labcorp Genetics (formerly Invitae), Labcorp
Classification: Uncertain significance for Pigmentary pallidal degeneration. Last evaluated: 2023-08-10. Review status: criteria provided, single submitter. Criteria: Invitae Variant Classification Sherloc (09022015). Collection method: clinical testing. Allele origin: germline.
Comment: This sequence change replaces valine, which is neutral and non-polar, with leucine, which is neutral and non-polar, at codon 242 of the PANK2 protein (p.Val242Leu). This variant is present in population databases (rs11538610, gnomAD 0.003%). This variant has not been reported in the literature in individuals affected with PANK2-related conditions. ClinVar contains an entry for this variant (Variation ID: 1952216). Advanced modeling of protein sequence and biophysical properties (such as structural, functional, and spatial information, amino acid conservation, physicochemical variation, residue mobility, and thermodynamic stability) has been performed at Invitae for this missense variant, however the output from this modeling did not meet the statistical confidence thresholds required to predict the impact of this variant on PANK2 protein function. In summary, the available evidence is currently insufficient to determine the role of this variant in disease. Therefore, it has been classified as a Variant of Uncertain Significance.